The following is an entry in ClinVar:

NM_000059.4(BRCA2):c.4052A>C (p.Lys1351Thr)

Gene: BRCA2 (BRCA2 DNA repair associated; plus strand). Cytogenetic location: 13q13.1.
Variant type: single nucleotide variant.
Coding change: c.4052A>C on transcript NM_000059.4 (MANE Select); coding-DNA position 4052, A replaced by C.
Protein change: p.Lys1351Thr; replaces lysine 1351 with threonine.
Molecular consequence: missense variant. On other transcripts: non-coding transcript variant (1), intron variant (2).
Genome position (GRCh38, 1-based): chr13:32,338,407, A>C. VCF-style: chr13-32338407-A-C. GRCh37 (hg19) VCF-style: chr13-32912544-A-C.
Other names: c.4052A>C, p.Lys1351Thr (NM_001406719.1, NM_001406720.1); c.1909+5020A>C (NM_001406721.1); c.425-6151A>C (NM_001406722.1); short protein forms K1351T.
Identifiers: ClinVar variation 2681825 (VCV002681825.1), dbSNP rs2137502479, ClinGen allele CA387779110.
Genomic context (GRCh38, chr13:32,338,407, plus strand): 5'-CTCATAACTTAGAATTTGATGGCAGTGATTCAAGTAAAAATGATACTGTTTGTATTCATA[A>C]AGATGAAACGGACTTGCTATTTACTGATCAGCACAACATATGTCTTAAATTATCTGGCCA-3'
Protein context (NP_000050.3, residues 1341-1361): SSKNDTVCIH[Lys1351Thr]DETDLLFTDQ

ClinVar aggregate classification (germline): Uncertain significance (1 of 4 stars; one submission).

Submission:

Quest Diagnostics Nichols Institute San Juan Capistrano
Classification: Uncertain significance. Last evaluated: 2022-09-15. Review status: criteria provided, single submitter. Criteria: Quest Diagnostics criteria. Collection method: clinical testing. Allele origin: unknown.
Comment: This variant has not been reported in the published literature. It also has not been reported in large, multi-ethnic general populations. Analysis of this variant using software algorithms for the prediction of the effect of nucleotide changes on splicing yielded predictions that this variant does not affect BRCA2 mRNA splicing . Based on the available information, we are unable to determine the clinical significance of this variant.

Literature cited by the submitters: PubMed 29884841; PubMed 32377563.